The following is an entry in ClinVar:

NM_017636.4(TRPM4):c.3226del (p.Ala1076fs)

Gene: TRPM4 (transient receptor potential cation channel subfamily M member 4; plus strand). Cytogenetic location: 19q13.33.
Variant type: Deletion.
Coding change: c.3226del on transcript NM_017636.4 (MANE Select); coding-DNA position 3226, one base deleted (G; older notation c.3226delG).
Protein change: p.Ala1076fs; shifts the reading frame from alanine 1076.
Molecular consequence: frameshift variant.
Genome position (GRCh38, 1-based): chr19:49,210,303, G deleted; the last of 2 consecutive G bases (chr19:49,210,302-49,210,303); deleting either gives the same sequence. VCF-style (leftmost placement, unchanged base first): chr19-49210301-TG-T. GRCh37 (hg19) VCF-style: chr19-49713558-TG-T.
Other names: c.2791del, p.Ala931fs (NM_001195227.2); c.2881del, p.Ala961fs (NM_001321281.2); c.1618del, p.Ala540fs (NM_001321282.2); c.2704del, p.Ala902fs (NM_001321283.2); c.2164del, p.Ala722fs (NM_001321285.2); short protein forms A1076fs, A540fs, A902fs, A961fs, A722fs, A931fs.
Identifiers: ClinVar variation 1395031 (VCV001395031.6), dbSNP rs2145996179, ClinGen allele CA2573156585.

ClinVar aggregate classification (germline): Uncertain significance (1 of 4 stars; one submission).

Conditions:
Progressive familial heart block type IB (PFHB1B). Identifiers: Orphanet 871, MedGen C1970298, MONDO:0011474, OMIM 604559.

Submission:

Labcorp Genetics (formerly Invitae), Labcorp
Classification: Uncertain significance for Progressive familial heart block type IB. Last evaluated: 2021-10-27. Review status: criteria provided, single submitter. Criteria: Invitae Variant Classification Sherloc (09022015). Collection method: clinical testing. Allele origin: germline.
Comment: This sequence change creates a premature translational stop signal (p.Ala1076Profs*47) in the TRPM4 gene. It is expected to result in an absent or disrupted protein product. However, the current clinical and genetic evidence is not sufficient to establish whether loss-of-function variants in TRPM4 cause disease. This variant is not present in population databases (gnomAD no frequency). This variant has not been reported in the literature in individuals affected with TRPM4-related conditions. In summary, the available evidence is currently insufficient to determine the role of this variant in disease. Therefore, it has been classified as a Variant of Uncertain Significance.